The following is an entry in ClinVar:

NM_001735.3(C5):c.673C>T (p.Pro225Ser)

Gene: C5 (complement C5; minus strand). Cytogenetic location: 9q33.2.
Variant type: single nucleotide variant.
Coding change: c.673C>T on transcript NM_001735.3 (MANE Select); coding-DNA position 673, C replaced by T.
Protein change: p.Pro225Ser; replaces proline 225 with serine.
Molecular consequence: missense variant.
Genome position (GRCh38, 1-based): chr9:121,030,482, G>A on the plus strand (C>T on the coding strand, the complement: C5 is on the minus strand). VCF-style: chr9-121030482-G-A. GRCh37 (hg19) VCF-style: chr9-123792760-G-A.
Other names: c.691C>T, p.Pro231Ser (NM_001317163.2); c.673C>T, p.Pro225Ser (NM_001317164.2); short protein forms P225S, P231S.
Identifiers: ClinVar variation 1505705 (VCV001505705.8), dbSNP rs1177087181, ClinGen allele CA374757207.

ClinVar aggregate classification (germline): Uncertain significance (1 of 4 stars; one submission).

Allele frequency attached by ClinVar (database versions not stated): gnomAD exomes below 0.00001.
gnomAD v4.1: 2 of 1,541,188 alleles (0.00013%); highest among the groups gnomAD compares: South Asian, 0.0012%; no homozygotes.

Submission:

Labcorp Genetics (formerly Invitae), Labcorp
Classification: Uncertain significance. Last evaluated: 2023-10-13. Review status: criteria provided, single submitter. Criteria: Invitae Variant Classification Sherloc (09022015). Collection method: clinical testing. Allele origin: germline.
Comment: This sequence change replaces proline, which is neutral and non-polar, with serine, which is neutral and polar, at codon 225 of the C5 protein (p.Pro225Ser). The frequency data for this variant in the population databases is considered unreliable, as metrics indicate poor data quality at this position in the gnomAD database. This variant has not been reported in the literature in individuals affected with C5-related conditions. ClinVar contains an entry for this variant (Variation ID: 1505705). Advanced modeling of protein sequence and biophysical properties (such as structural, functional, and spatial information, amino acid conservation, physicochemical variation, residue mobility, and thermodynamic stability) performed at Invitae indicates that this missense variant is expected to disrupt C5 protein function. In summary, the available evidence is currently insufficient to determine the role of this variant in disease. Therefore, it has been classified as a Variant of Uncertain Significance.